The following is an entry in ClinVar:

ClinVar aggregate classification (germline): Benign (0 of 4 stars; one submission).

Conditions:
PRRC2A-related disorder. Also called: PRRC2A-related condition.

Allele frequency attached by ClinVar (database versions not stated): gnomAD exomes 0.35448; ExAC 0.35733; 1000 Genomes Project 0.39018; 1000 Genomes Project 30x 0.39475; TOPMed 0.39727; gnomAD 0.40026; ESP Exome Variant Server 0.40105.
gnomAD v4.1: 578,568 of 1,613,872 alleles (36%); highest among the groups gnomAD compares: African/African-American, 51%; 106,562 homozygotes.

Submission:

PreventionGenetics, part of Exact Sciences
Classification: Benign for PRRC2A-related condition. Last evaluated: 2019-10-21. Review status: no assertion criteria provided. Collection method: clinical testing. Allele origin: germline.
Comment: This variant is classified as benign based on ACMG/AMP sequence variant interpretation guidelines (Richards et al. 2015 PMID: 25741868, with internal and published modifications).

NM_004638.4(PRRC2A):c.5219G>A (p.Arg1740His)

Gene: PRRC2A (proline rich coiled-coil 2A; plus strand). Cytogenetic location: 6p21.33.
Variant type: single nucleotide variant.
Coding change: c.5219G>A on transcript NM_004638.4 (MANE Select); coding-DNA position 5219, G replaced by A.
Protein change: p.Arg1740His; replaces arginine 1740 with histidine.
Molecular consequence: missense variant.
Genome position (GRCh38, 1-based): chr6:31,635,190, G>A. VCF-style: chr6-31635190-G-A. GRCh37 (hg19) VCF-style: chr6-31602967-G-A.
Other names: c.5219G>A, p.Arg1740His (NM_080686.3); short protein forms R1740H.
Identifiers: ClinVar variation 3060262 (VCV003060262.2), dbSNP rs1046089, ClinGen allele CA3716445.